The following is an entry in ClinVar:

ClinVar aggregate classification (germline): Pathogenic (1 of 4 stars; one submission).

Submission:

Labcorp Genetics (formerly Invitae), Labcorp
Classification: Pathogenic. Last evaluated: 2023-05-12. Review status: criteria provided, single submitter. Criteria: Invitae Variant Classification Sherloc (09022015). Collection method: clinical testing. Allele origin: germline.
Comment: For these reasons, this variant has been classified as Pathogenic. This variant has not been reported in the literature in individuals affected with TG-related conditions. This variant is not present in population databases (gnomAD no frequency). This sequence change creates a premature translational stop signal (p.Cys1734*) in the TG gene. It is expected to result in an absent or disrupted protein product. Loss-of-function variants in TG are known to be pathogenic (PMID: 19837936, 23164529).

Literature cited by the submitters: PubMed 19837936; PubMed 23164529.

NM_003235.5(TG):c.5202C>A (p.Cys1734Ter)

Gene: TG (thyroglobulin; plus strand). Cytogenetic location: 8q24.22.
Variant type: single nucleotide variant.
Coding change: c.5202C>A on transcript NM_003235.5 (MANE Select); coding-DNA position 5202, C replaced by A.
Protein change: p.Cys1734Ter; replaces cysteine 1734 with a stop codon.
Molecular consequence: nonsense.
Genome position (GRCh38, 1-based): chr8:132,941,511, C>A. VCF-style: chr8-132941511-C-A. GRCh37 (hg19) VCF-style: chr8-133953756-C-A.
Other names: short protein forms C1734*.
Identifiers: ClinVar variation 2862571 (VCV002862571.3), dbSNP rs1824437755, ClinGen allele CA372251694.